The following is an entry in ClinVar:

ClinVar aggregate classification (germline): Uncertain significance (1 of 4 stars; one submission).

Submission:

Labcorp Genetics (formerly Invitae), Labcorp
Classification: Uncertain significance. Last evaluated: 2024-06-25. Review status: criteria provided, single submitter. Criteria: Invitae Variant Classification Sherloc (09022015). Collection method: clinical testing. Allele origin: germline.
Comment: This sequence change replaces histidine, which is basic and polar, with glutamine, which is neutral and polar, at codon 1114 of the MSH3 protein (p.His1114Gln). This variant is not present in population databases (gnomAD no frequency). This variant has not been reported in the literature in individuals affected with MSH3-related conditions. An algorithm developed to predict the effect of missense changes on protein structure and function (PolyPhen-2) suggests that this variant is likely to be tolerated. In summary, the available evidence is currently insufficient to determine the role of this variant in disease. Therefore, it has been classified as a Variant of Uncertain Significance.

NM_002439.5(MSH3):c.3342T>A (p.His1114Gln)

Gene: MSH3 (mutS homolog 3; plus strand). Cytogenetic location: 5q14.1.
Variant type: single nucleotide variant.
Coding change: c.3342T>A on transcript NM_002439.5 (MANE Select); coding-DNA position 3342, T replaced by A.
Protein change: p.His1114Gln; replaces histidine 1114 with glutamine.
Molecular consequence: missense variant.
Genome position (GRCh38, 1-based): chr5:80,875,790, T>A. VCF-style: chr5-80875790-T-A. GRCh37 (hg19) VCF-style: chr5-80171609-T-A.
Other names: short protein forms H1114Q.
Identifiers: ClinVar variation 2897373 (VCV002897373.3), dbSNP rs2478808862, ClinGen allele CA360347352.